The following is an entry in ClinVar:

ClinVar aggregate classification (germline): Conflicting classifications of pathogenicity. Review status: criteria provided, conflicting classifications (1 of 4 stars). 9 submissions from 9 submitters: Uncertain significance (2); Benign (1); Likely benign (6). Last evaluated 2025-10-06.

Conditions:
Inborn genetic diseases. Identifiers: MedGen C0950123, MeSH D030342.
Microcephaly 5, primary, autosomal recessive (MCPH5). Also called: ASPM Primary Microcephaly. Identifiers: Orphanet 2512, MedGen C1837501, MONDO:0012106, OMIM 608716.

Allele frequency attached by ClinVar (database versions not stated): gnomAD 0.00011 and 0.00025; TOPMed 0.00014; 1000 Genomes Project 0.00060; 1000 Genomes Project 30x 0.00062; gnomAD exomes 0.00074; ExAC 0.00076.
gnomAD v4.1: 675 of 1,613,804 alleles (0.042%); highest among the groups gnomAD compares: South Asian, 0.51%; 12 homozygotes.

Submissions (9):

Labcorp Genetics (formerly Invitae), Labcorp
Classification: Benign. Last evaluated: 2025-10-06. Review status: criteria provided, single submitter. Criteria: Invitae Variant Classification Sherloc (09022015). Collection method: clinical testing. Allele origin: germline.

Blueprint Genetics
Classification: Likely benign. Last evaluated: 2024-11-22. Review status: criteria provided, single submitter. Criteria: ACMG Guidelines, 2015. Collection method: clinical testing. Allele origin: germline.

CeGaT Center for Human Genetics Tuebingen
Classification: Likely benign. Last evaluated: 2024-08-01. Review status: criteria provided, single submitter. Criteria: CeGaT Center For Human Genetics Tuebingen Variant Classification Criteria Version 2. Collection method: clinical testing. Allele origin: germline. Affected: yes. Observed: 3 variant alleles.
Comment: ASPM: BP4

Ambry Genetics
Classification: Likely benign for Inborn genetic diseases. Last evaluated: 2021-08-12. Review status: criteria provided, single submitter. Criteria: Ambry Variant Classification Scheme 2023. Collection method: clinical testing. Allele origin: germline.

GeneDx
Classification: Likely benign. Last evaluated: 2020-07-05. Review status: criteria provided, single submitter. Criteria: GeneDx Variant Classification Process June 2021. Collection method: clinical testing. Allele origin: germline. Affected: yes.

Genomic Research Center, Shahid Beheshti University of Medical Sciences
Classification: Likely benign for Primary autosomal recessive microcephaly 5. Last evaluated: 2018-08-07. Review status: criteria provided, single submitter. Criteria: ACMG Guidelines, 2015. Collection method: clinical testing. Allele origin: inherited. Affected: no. Observed: 1 variant allele.

Athena Diagnostics
Classification: Uncertain significance. Last evaluated: 2018-04-10. Review status: criteria provided, single submitter. Criteria: Athena Diagnostics Criteria. Collection method: clinical testing. Allele origin: germline.

Eurofins Ntd Llc (ga)
Classification: Uncertain significance. Last evaluated: 2016-01-29. Review status: criteria provided, single submitter. Criteria: EGL Classification Definitions 2015. Collection method: clinical testing. Allele origin: germline. Observed: 1 variant allele, 1 heterozygote.

Genetic Services Laboratory, University of Chicago
Classification: Likely benign. Last evaluated: 2015-06-05. Review status: criteria provided, single submitter. Criteria: ACMG Guidelines, 2015. Collection method: clinical testing. Allele origin: germline.

NM_018136.5(ASPM):c.933C>G (p.Ser311Arg)

Gene: ASPM (assembly factor for spindle microtubules; minus strand). Cytogenetic location: 1q31.3.
Variant type: single nucleotide variant.
Coding change: c.933C>G on transcript NM_018136.5 (MANE Select); coding-DNA position 933, C replaced by G.
Protein change: p.Ser311Arg; replaces serine 311 with arginine.
Molecular consequence: missense variant.
Genome position (GRCh38, 1-based): chr1:197,143,319, G>C on the plus strand (C>G on the coding strand, the complement: ASPM is on the minus strand). VCF-style: chr1-197143319-G-C. GRCh37 (hg19) VCF-style: chr1-197112449-G-C.
Other names: c.933C>G, p.Ser311Arg (NM_001206846.2); short protein forms S311R.
Identifiers: ClinVar variation 210363 (VCV000210363.56), dbSNP rs563858170, ClinGen allele CA205314.